The following is an entry in ClinVar:

NM_000834.5(GRIN2B):c.1382G>T (p.Cys461Phe)

Gene: GRIN2B (glutamate ionotropic receptor NMDA type subunit 2B; minus strand). Cytogenetic location: 12p13.1.
Variant type: single nucleotide variant.
Coding change: c.1382G>T on transcript NM_000834.5 (MANE Select); coding-DNA position 1382, G replaced by T.
Protein change: p.Cys461Phe; replaces cysteine 461 with phenylalanine.
Molecular consequence: missense variant.
Genome position (GRCh38, 1-based): chr12:13,615,611, C>A on the plus strand (G>T on the coding strand, the complement: GRIN2B is on the minus strand). VCF-style: chr12-13615611-C-A. GRCh37 (hg19) VCF-style: chr12-13768545-C-A.
Other names: short protein forms C461F.
Identifiers: ClinVar variation 916598 (VCV000916598.3), dbSNP rs1949427787, ClinGen allele CA384052299.

ClinVar aggregate classification (germline): Pathogenic/Likely pathogenic. Review status: criteria provided, multiple submitters, no conflicts (2 of 4 stars). 2 submissions from 2 submitters: Pathogenic (1); Likely pathogenic (1). Last evaluated 2017-04-04.

Conditions:
Inborn genetic diseases. Identifiers: MedGen C0950123, MeSH D030342.
Intellectual developmental disorder, autosomal dominant 6, with or without seizures. Also called: GRIN2B-related developmental delay, intellectual disability and autism spectrum disorder; Intellectual disability, autosomal dominant 6. Identifiers: Orphanet 589547, MedGen C3151411, MONDO:0013509, OMIM 613970.

Submissions (2):

Institute of Human Genetics, University of Leipzig Medical Center
Classification: Likely pathogenic for Intellectual developmental disorder, autosomal dominant 6, with or without seizures. Last evaluated: 2017-04-04. Review status: criteria provided, single submitter. Criteria: ACMG Guidelines, 2015. Collection method: clinical testing. Allele origin: de novo. Affected: yes.
Comment: This variant was identified as de novo (maternity and paternity confirmed).

Ambry Genetics
Classification: Pathogenic for Inborn genetic diseases. Last evaluated: 2017-02-14. Review status: criteria provided, single submitter. Criteria: Ambry Variant Classification Scheme 2023. Collection method: clinical testing. Allele origin: germline.
Comment: The p.C461F pathogenic mutation (also known as c.1382G>T), located in coding exon 5 of the GRIN2B gene, results from a G to T substitution at nucleotide position 1382. The cysteine at codon 461 is replaced by phenylalanine, an amino acid with highly dissimilar properties. This variant has been detected de novo in an individual with epileptic encephalopathy (Allen et al. Nature, 2013 Sep;501:217-21). Experimental studies indicate that this alteration impairs glutamate receptor function and localization (Swanger SA et al. Am. J. Hum. Genet., 2016 Dec;99:1261-1280). This variant is located in the agonist binding domain and is indicated to be structurally deleterious (Ambry internal data; Tajima N et al. Nature, 2016 06;534:63-8). This amino acid position is highly conserved in available vertebrate species. In addition, this alteration is predicted to be deleterious by in silico analysis. Based on the supporting evidence, this alteration is interpreted as a disease-causing mutation.

Literature cited by the submitters: PubMed 28377535 (cited by Institute of Human Genetics, University of Leipzig Medical Center); PubMed 23934111 (cited by Ambry Genetics); PubMed 24272827 (cited by Ambry Genetics); PubMed 27135925 (cited by Ambry Genetics); PubMed 27818011 (cited by Ambry Genetics); PubMed 27839871 (cited by Ambry Genetics).